The following is an entry in ClinVar:

NM_198576.4(AGRN):c.763T>C (p.Phe255Leu)

Gene: AGRN (agrin; plus strand). Cytogenetic location: 1p36.33.
Variant type: single nucleotide variant.
Coding change: c.763T>C on transcript NM_198576.4 (MANE Select); coding-DNA position 763, T replaced by C.
Protein change: p.Phe255Leu; replaces phenylalanine 255 with leucine.
Molecular consequence: missense variant.
Genome position (GRCh38, 1-based): chr1:1,041,208, T>C. VCF-style: chr1-1041208-T-C. GRCh37 (hg19) VCF-style: chr1-976588-T-C.
Other names: c.763T>C, p.Phe255Leu (NM_001305275.2); c.448T>C, p.Phe150Leu (NM_001364727.2); short protein forms F150L, F255L.
Identifiers: ClinVar variation 1059973 (VCV001059973.9), dbSNP rs2100632861, ClinGen allele CA337823676.

ClinVar aggregate classification (germline): Uncertain significance (1 of 4 stars; one submission).

Conditions:
Congenital myasthenic syndrome 8. Also called: MYASTHENIC SYNDROME, CONGENITAL, DUE TO AGRIN DEFICIENCY; Myasthenic syndrome, congenital, 8, with pre- and postsynaptic defects. Identifiers: Orphanet 590, MedGen C3808739, MONDO:0014052, OMIM 615120.

Submission:

Labcorp Genetics (formerly Invitae), Labcorp
Classification: Uncertain significance for Congenital myasthenic syndrome 8. Last evaluated: 2022-01-13. Review status: criteria provided, single submitter. Criteria: Invitae Variant Classification Sherloc (09022015). Collection method: clinical testing. Allele origin: germline.
Comment: In summary, the available evidence is currently insufficient to determine the role of this variant in disease. Therefore, it has been classified as a Variant of Uncertain Significance. Algorithms developed to predict the effect of missense changes on protein structure and function are either unavailable or do not agree on the potential impact of this missense change (SIFT: "Deleterious"; PolyPhen-2: "Benign"; Align-GVGD: "Class C0"). ClinVar contains an entry for this variant (Variation ID: 1059973). This variant has not been reported in the literature in individuals affected with AGRN-related conditions. This variant is not present in population databases (gnomAD no frequency). This sequence change replaces phenylalanine, which is neutral and non-polar, with leucine, which is neutral and non-polar, at codon 255 of the AGRN protein (p.Phe255Leu).